The following is an entry in ClinVar:

ClinVar aggregate classification (germline): Likely pathogenic (1 of 4 stars; one submission).

Conditions:
Autism, susceptibility to, 17. Also called: Autism susceptibility 17. Identifiers: MedGen C3150693, MONDO:0013265, OMIM 613436.

Submission:

Women's Health and Genetics/Laboratory Corporation of America, LabCorp
Classification: Likely pathogenic for Autism, susceptibility to, 17. Last evaluated: 2026-04-28. Review status: criteria provided, single submitter. Criteria: LabCorp Variant Classification Summary - May 2015. Collection method: clinical testing. Allele origin: germline.
Comment: Variant summary: The variant involves the duplication of exons 4-13 in the SHANK2 gene. A presumed nomenclature of c.(207+1_208-1)_(1027+1_1028-1)dup has been designated for the purposes of this classification. It is assumed to be a tandem duplication in direct orientation (PMIDs: 25640679, 30054569). This Copy Number Variant (CNV) is expected to alter the reading frame and predicted to result in a truncation or absence of the encoded protein due to nonsense mediated decay (NMD). Loss-of-function variants in this gene are known to be pathogenic. The variant was absent in 21694 control chromosomes. The available data on variant occurrences in the general population are insufficient to allow any conclusion about variant significance. To our knowledge, no occurrence of c.(207+1_208-1)_(1027+1_1028-1)dup in individuals affected with SHANK2-related conditions and no experimental evidence demonstrating its impact on protein function have been reported. No submitters have cited clinical-significance assessments for this variant to ClinVar. Based on the evidence outlined above, the variant was classified as likely pathogenic.

NC_000011.9:g.(70666788_70742605)_(70830079_70858165)dup

Gene: SHANK2 (SH3 and multiple ankyrin repeat domains 2; minus strand). Cytogenetic location: 11q13.4.
Variant type: Duplication.
Identifiers: ClinVar variation 4848732 (VCV004848732.1).